The following is an entry in ClinVar:

NM_005189.3(CBX2):c.267C>T (p.Cys89=)

Gene: CBX2 (chromobox 2; plus strand). Cytogenetic location: 17q25.3.
Variant type: single nucleotide variant.
Coding change: c.267C>T on transcript NM_005189.3 (MANE Select); coding-DNA position 267, C replaced by T.
Protein change: p.Cys89=; no amino-acid change (cysteine 89 retained).
Molecular consequence: synonymous variant.
Genome position (GRCh38, 1-based): chr17:79,781,780, C>T. VCF-style: chr17-79781780-C-T. GRCh37 (hg19) VCF-style: chr17-77755579-C-T.
Other names: c.267C>T, p.Cys89= (NM_032647.4).
Identifiers: ClinVar variation 3043499 (VCV003043499.4), dbSNP rs1328403947, ClinGen allele CA502398869.

ClinVar aggregate classification (germline): Likely benign. Review status: criteria provided, single submitter (1 of 4 stars). 2 submissions from 2 submitters: Likely benign (1). 1 of the submissions does not count toward it. Last evaluated 2024-06-12.

Conditions:
CBX2-related disorder. Also called: CBX2-related condition.

Allele frequency attached by ClinVar (database versions not stated): gnomAD 0.00001; TOPMed 0.00004.
gnomAD v4.1: 17 of 1,614,020 alleles (0.0011%); highest among the groups gnomAD compares: Admixed American, 0.027%; no homozygotes.

Submissions (2):

Labcorp Genetics (formerly Invitae), Labcorp
Classification: Likely benign. Last evaluated: 2024-06-12. Review status: criteria provided, single submitter. Criteria: Invitae Variant Classification Sherloc (09022015). Collection method: clinical testing. Allele origin: germline.

PreventionGenetics, part of Exact Sciences
Classification: Likely benign for CBX2-related condition. Last evaluated: 2019-04-03. Review status: no assertion criteria provided. Collection method: clinical testing. Allele origin: germline. Not counted in ClinVar's aggregate classification.
Comment: This variant is classified as likely benign based on ACMG/AMP sequence variant interpretation guidelines (Richards et al. 2015 PMID: 25741868, with internal and published modifications).